The following is an entry in ClinVar:

ClinVar aggregate classification (germline): Conflicting classifications of pathogenicity. Review status: criteria provided, conflicting classifications (1 of 4 stars). 3 submissions from 3 submitters: Uncertain significance (2); Likely benign (1). Last evaluated 2024-09-21.

Conditions:
Hereditary cancer-predisposing syndrome. Also called: Hereditary neoplastic syndrome; Tumor predisposition; Neoplastic Syndromes, Hereditary; Hereditary Cancer Syndrome. Identifiers: Orphanet 140162, MedGen C0027672, MeSH D009386, MONDO:0015356.
Hereditary breast ovarian cancer syndrome. Also called: Hereditary breast and ovarian cancer; Hereditary breast and/or ovarian cancer syndrome; Breast and ovarian cancer; BRCA1- and BRCA2-Associated Hereditary Breast and Ovarian Cancer; Hereditary breast and ovarian cancer syndrome; Hereditary breast and ovarian cancer syndrome (HBOC). Identifiers: Orphanet 145, MedGen C0677776, MeSH D061325, MONDO:0003582. Disease mechanism: loss of function.

Submissions (3):

Ambry Genetics
Classification: Uncertain significance for Hereditary cancer-predisposing syndrome. Last evaluated: 2024-09-21. Review status: criteria provided, single submitter. Criteria: Ambry Variant Classification Scheme 2023. Collection method: clinical testing. Allele origin: germline.
Comment: The p.Q934R variant (also known as c.2801A>G), located in coding exon 9 of the BRCA1 gene, results from an A to G substitution at nucleotide position 2801. The glutamine at codon 934 is replaced by arginine, an amino acid with highly similar properties. This amino acid position is conserved. In addition, the in silico prediction for this alteration is inconclusive. Based on the available evidence, the clinical significance of this variant remains unclear.

University of Washington Department of Laboratory Medicine, University of Washington
Classification: Likely benign for Hereditary cancer-predisposing syndrome. Last evaluated: 2023-03-23. Review status: criteria provided, single submitter. Criteria: Dines et al. (Genet Med. 2020). Collection method: curation. Allele origin: germline.
Comment: Missense variant in a coldspot region where missense variants are very unlikely to be pathogenic (PMID:31911673).

BRCA1 coldspot (exon 11 using historical exon numbering). Reclassification based on statistical prior probability

Labcorp Genetics (formerly Invitae), Labcorp
Classification: Uncertain significance for Hereditary breast ovarian cancer syndrome. Last evaluated: 2021-10-23. Review status: criteria provided, single submitter. Criteria: Invitae Variant Classification Sherloc (09022015). Collection method: clinical testing. Allele origin: germline.
Comment: This variant has not been reported in the literature in individuals affected with BRCA1-related conditions. In summary, the available evidence is currently insufficient to determine the role of this variant in disease. Therefore, it has been classified as a Variant of Uncertain Significance. Advanced modeling of protein sequence and biophysical properties (such as structural, functional, and spatial information, amino acid conservation, physicochemical variation, residue mobility, and thermodynamic stability) performed at Invitae indicates that this missense variant is not expected to disrupt BRCA1 protein function. This variant is not present in population databases (ExAC no frequency). This sequence change replaces glutamine with arginine at codon 934 of the BRCA1 protein (p.Gln934Arg). The glutamine residue is moderately conserved and there is a small physicochemical difference between glutamine and arginine.

NM_007294.4(BRCA1):c.2801A>G (p.Gln934Arg)

Gene: BRCA1 (BRCA1 DNA repair associated; minus strand). Cytogenetic location: 17q21.31.
Variant type: single nucleotide variant.
Coding change: c.2801A>G on transcript NM_007294.4 (MANE Select); coding-DNA position 2801, A replaced by G.
Protein change: p.Gln934Arg; replaces glutamine 934 with arginine.
Molecular consequence: missense variant. On other transcripts: intron variant (137).
Genome position (GRCh38, 1-based): chr17:43,092,730, T>C on the plus strand (A>G on the coding strand, the complement: BRCA1 is on the minus strand). VCF-style: chr17-43092730-T-C. GRCh37 (hg19) VCF-style: chr17-41244747-T-C.
Other names: c.2660A>G, p.Gln887Arg (NM_001407945.1, NM_007297.4, NM_001407692.1 and 29 more transcripts); c.2468A>G, p.Gln823Arg (NM_001407946.1, NM_001407947.1, NM_001407948.1 and 6 more transcripts); c.1913A>G, p.Gln638Arg (NM_001407966.1, NM_001407967.1); c.2465A>G, p.Gln822Arg (NM_001407954.1, NM_001407955.1, NM_001407956.1 and 1 more transcripts); c.2801A>G, p.Gln934Arg (NM_007300.4, NM_001407581.1, NM_001407582.1 and 30 more transcripts); c.647-1698A>G (NM_001408458.1, NM_001408469.1, NM_001408453.1 and 11 more transcripts); c.284-1698A>G (NM_001408512.1); c.407-1698A>G (NM_001408510.1); and 41 more; short protein forms Q934R, Q887R, Q806R, Q845R, Q846R, Q864R, Q931R, Q807R.
Identifiers: ClinVar variation 1346585 (VCV001346585.10), dbSNP rs2154358844, ClinGen allele CA10596396.